The following is an entry in ClinVar:

NM_017791.3(FLVCR2):c.886T>G (p.Ser296Ala)

Gene: FLVCR2 (FLVCR choline and putative heme transporter 2; plus strand). Cytogenetic location: 14q24.3.
Variant type: single nucleotide variant.
Coding change: c.886T>G on transcript NM_017791.3 (MANE Select); coding-DNA position 886, T replaced by G.
Protein change: p.Ser296Ala; replaces serine 296 with alanine.
Molecular consequence: missense variant.
Genome position (GRCh38, 1-based): chr14:75,624,686, T>G. VCF-style: chr14-75624686-T-G. GRCh37 (hg19) VCF-style: chr14-76091029-T-G.
Other names: c.271T>G, p.Ser91Ala (NM_001195283.2); short protein forms S296A, S91A.
Identifiers: ClinVar variation 2418361 (VCV002418361.3), dbSNP rs747347369, ClinGen allele CA7278345.

ClinVar aggregate classification (germline): Uncertain significance (1 of 4 stars; one submission).

Allele frequency attached by ClinVar (database versions not stated): gnomAD exomes below 0.00001; TOPMed below 0.00001; ExAC 0.00002.
gnomAD v4.1: 2 of 1,614,162 alleles (0.00012%); highest among the groups gnomAD compares: Admixed American, 0.0033%; no homozygotes.

Submission:

Labcorp Genetics (formerly Invitae), Labcorp
Classification: Uncertain significance. Last evaluated: 2022-07-14. Review status: criteria provided, single submitter. Criteria: Invitae Variant Classification Sherloc (09022015). Collection method: clinical testing. Allele origin: germline.
Comment: This sequence change replaces serine, which is neutral and polar, with alanine, which is neutral and non-polar, at codon 296 of the FLVCR2 protein (p.Ser296Ala). This variant is present in population databases (rs747347369, gnomAD 0.006%). This variant has not been reported in the literature in individuals affected with FLVCR2-related conditions. Algorithms developed to predict the effect of missense changes on protein structure and function (SIFT, PolyPhen-2, Align-GVGD) all suggest that this variant is likely to be tolerated. In summary, the available evidence is currently insufficient to determine the role of this variant in disease. Therefore, it has been classified as a Variant of Uncertain Significance.